The following is an entry in ClinVar:

NM_024996.7(GFM1):c.597G>A (p.Ala199=)

Gene: GFM1 (G elongation factor mitochondrial 1; plus strand). Cytogenetic location: 3q25.32.
Variant type: single nucleotide variant.
Coding change: c.597G>A on transcript NM_024996.7 (MANE Select); coding-DNA position 597, G replaced by A.
Protein change: p.Ala199=; no amino-acid change (alanine 199 retained).
Molecular consequence: synonymous variant. On other transcripts: non-coding transcript variant (2), intron variant (3).
Genome position (GRCh38, 1-based): chr3:158,649,065, G>A. VCF-style: chr3-158649065-G-A. GRCh37 (hg19) VCF-style: chr3-158366854-G-A.
Other names: c.597G>A, p.Ala199= (NM_001308164.2, NM_001308166.2, NM_001374355.1); c.372G>A, p.Ala124= (NM_001374357.1); c.30G>A, p.Ala10= (NM_001374359.1, NM_001374360.1); c.572+2118G>A (NM_001374356.1); c.6-3031G>A (NM_001374361.1); c.235-3035G>A (NM_001374358.1).
Identifiers: ClinVar variation 381393 (VCV000381393.10), dbSNP rs148209578, ClinGen allele CA2682371.

ClinVar aggregate classification (germline): Likely benign. Review status: criteria provided, multiple submitters, no conflicts (2 of 4 stars). 2 submissions from 2 submitters: Likely benign (2). Last evaluated 2026-01-21.

Allele frequency attached by ClinVar (database versions not stated): ExAC 0.00011; gnomAD 0.00011; TOPMed 0.00011; 1000 Genomes Project 30x 0.00031; 1000 Genomes Project 0.00040; gnomAD exomes 0.00004 and 0.00010; ESP Exome Variant Server 0.00008.
gnomAD v4.1: 77 of 1,541,440 alleles (0.005%); highest among the groups gnomAD compares: South Asian, 0.045%; no homozygotes.

Submissions (2):

Labcorp Genetics (formerly Invitae), Labcorp
Classification: Likely benign. Last evaluated: 2026-01-21. Review status: criteria provided, single submitter. Criteria: Invitae Variant Classification Sherloc (09022015). Collection method: clinical testing. Allele origin: germline.

GeneDx
Classification: Likely benign. Last evaluated: 2015-12-03. Review status: criteria provided, single submitter. Criteria: GeneDx Variant Classification (06012015). Collection method: clinical testing. Allele origin: germline. Affected: yes.
Comment: This variant is considered likely benign or benign based on one or more of the following criteria: it is a conservative change, it occurs at a poorly conserved position in the protein, it is predicted to be benign by multiple in silico algorithms, and/or has population frequency not consistent with disease.